The following is an entry in ClinVar:

ClinVar aggregate classification (germline): Uncertain significance. Review status: criteria provided, multiple submitters, no conflicts (2 of 4 stars). 2 submissions from 2 submitters: Uncertain significance (2). Last evaluated 2025-10-15.

Conditions:
Charcot-Marie-Tooth disease axonal type 2O. Also called: CHARCOT-MARIE-TOOTH NEUROPATHY, AXONAL, TYPE 2O; CHARCOT-MARIE-TOOTH DISEASE, AXONAL, AUTOSOMAL DOMINANT, TYPE 2O; Charcot-Marie-Tooth Neuropathy Type 2O; Charcot-Marie-Tooth disease, axonal, type 20. Identifiers: Orphanet 284232, MedGen C3280220, MONDO:0013644, OMIM 614228.

gnomAD v4.1: 2 of 1,614,244 alleles (0.00012%); highest among the groups gnomAD compares: Non-Finnish European, 0.000085%; no homozygotes.

Submissions (2):

Mayo Clinic Laboratories, Mayo Clinic
Classification: Uncertain significance. Last evaluated: 2025-10-15. Review status: criteria provided, single submitter. Criteria: ACMG Guidelines, 2015. Collection method: clinical testing. Allele origin: germline. Observed: 2 variant alleles.
Comment: BP4

Labcorp Genetics (formerly Invitae), Labcorp
Classification: Uncertain significance for Charcot-Marie-Tooth disease axonal type 2O. Last evaluated: 2024-05-29. Review status: criteria provided, single submitter. Criteria: Invitae Variant Classification Sherloc (09022015). Collection method: clinical testing. Allele origin: germline.
Comment: This sequence change replaces lysine, which is basic and polar, with glutamic acid, which is acidic and polar, at codon 2184 of the DYNC1H1 protein (p.Lys2184Glu). This variant is not present in population databases (gnomAD no frequency). This variant has not been reported in the literature in individuals affected with DYNC1H1-related conditions. ClinVar contains an entry for this variant (Variation ID: 1416683). Advanced modeling of protein sequence and biophysical properties (such as structural, functional, and spatial information, amino acid conservation, physicochemical variation, residue mobility, and thermodynamic stability) performed at Invitae indicates that this missense variant is not expected to disrupt DYNC1H1 protein function with a negative predictive value of 95%. In summary, the available evidence is currently insufficient to determine the role of this variant in disease. Therefore, it has been classified as a Variant of Uncertain Significance.

NM_001376.5(DYNC1H1):c.6550A>G (p.Lys2184Glu)

Gene: DYNC1H1 (dynein cytoplasmic 1 heavy chain 1; plus strand). Cytogenetic location: 14q32.31.
Variant type: single nucleotide variant.
Coding change: c.6550A>G on transcript NM_001376.5 (MANE Select); coding-DNA position 6550, A replaced by G.
Protein change: p.Lys2184Glu; replaces lysine 2184 with glutamic acid.
Molecular consequence: missense variant.
Genome position (GRCh38, 1-based): chr14:102,010,884, A>G. VCF-style: chr14-102010884-A-G. GRCh37 (hg19) VCF-style: chr14-102477221-A-G.
Other names: p.Lys2184Glu; short protein forms K2184E.
Identifiers: ClinVar variation 1416683 (VCV001416683.9), dbSNP rs2152578236, ClinGen allele CA391055923.
Genomic context (GRCh38, chr14:102,010,884, plus strand): 5'-GTGTTCCCTGGAGTCCAGTATCACAGGGGTGAGATGACTGCCCTTCGAGAGGAGCTGAAG[A>G]AAGTGTGTCAGGAGATGTATTTGACATATGGAGATGGAGAAGAAGTTGGTGGAATGTGGG-3'
Protein context (NP_001367.2, residues 2174-2194): EMTALREELK[Lys2184Glu]VCQEMYLTYG